The following is an entry in ClinVar:

NM_001042492.3(NF1):c.2564G>C (p.Arg855Thr)

Gene: NF1 (neurofibromin 1; plus strand). Cytogenetic location: 17q11.2.
Variant type: single nucleotide variant.
Coding change: c.2564G>C on transcript NM_001042492.3 (MANE Select); coding-DNA position 2564, G replaced by C.
Protein change: p.Arg855Thr; replaces arginine 855 with threonine.
Molecular consequence: missense variant.
Genome position (GRCh38, 1-based): chr17:31,229,179, G>C. VCF-style: chr17-31229179-G-C. GRCh37 (hg19) VCF-style: chr17-29556197-G-C.
Other names: c.2564G>C, p.Arg855Thr (NM_000267.4); short protein forms R855T.
Identifiers: ClinVar variation 187414 (VCV000187414.14), dbSNP rs786203716, ClinGen allele CA197585.
Genomic context (GRCh38, chr17:31,229,179, plus strand): 5'-AGGAATGGATCAACATGACTGGCTTCCTTTGTGCCCTTGGGGGAGTGTGCCTCCAGCAGA[G>C]AAGCAATTCTGGCCTGGCAACCTATAGCCCACCCATGGGTCCAGTCAGTGAACGTAAGGG-3'
Protein context (NP_001035957.1, residues 845-865): CALGGVCLQQ[Arg855Thr]SNSGLATYSP

ClinVar aggregate classification (germline): Uncertain significance. Review status: criteria provided, multiple submitters, no conflicts (2 of 4 stars). 5 submissions from 4 submitters: Uncertain significance (5). Last evaluated 2025-08-04.

Conditions:
Hereditary cancer-predisposing syndrome. Also called: Hereditary Cancer Syndrome; Neoplastic Syndromes, Hereditary; Tumor predisposition; Hereditary neoplastic syndrome. Identifiers: Orphanet 140162, MedGen C0027672, MeSH D009386, MONDO:0015356.
Cardiovascular phenotype. Identifiers: MedGen CN230736.
Neurofibromatosis, type 1 (NF1). Also called: NEUROFIBROMATOSIS, TYPE I, SOMATIC; VON RECKLINGHAUSEN DISEASE; Peripheral type neurofibromatosis; Neurofibromatosis, type I. Identifiers: Orphanet 636, MedGen C0027831, MONDO:0018975, OMIM 162200. Disease mechanism: loss of function.

Allele frequency attached by ClinVar (database versions not stated): TOPMed below 0.00001; gnomAD 0.00001.
gnomAD v4.1: 1 of 1,611,838 alleles (0.000062%); highest among the groups gnomAD compares: Non-Finnish European, 0.000085%; no homozygotes.

Submissions (5):

Labcorp Genetics (formerly Invitae), Labcorp
Classification: Uncertain significance for Neurofibromatosis, type 1. Last evaluated: 2025-08-04. Review status: criteria provided, single submitter. Criteria: Invitae Variant Classification Sherloc (09022015). Collection method: clinical testing. Allele origin: germline.
Comment: This sequence change replaces arginine, which is basic and polar, with threonine, which is neutral and polar, at codon 855 of the NF1 protein (p.Arg855Thr). This variant is not present in population databases (gnomAD no frequency). This variant has not been reported in the literature in individuals affected with NF1-related conditions. ClinVar contains an entry for this variant (Variation ID: 187414). Invitae Evidence Modeling of protein sequence and biophysical properties (such as structural, functional, and spatial information, amino acid conservation, physicochemical variation, residue mobility, and thermodynamic stability) indicates that this missense variant is expected to disrupt NF1 protein function with a positive predictive value of 80%. In summary, the available evidence is currently insufficient to determine the role of this variant in disease. Therefore, it has been classified as a Variant of Uncertain Significance.

Ambry Genetics
Classification: Uncertain significance for Cardiovascular phenotype; Hereditary cancer-predisposing syndrome. Last evaluated: 2025-01-10. Review status: criteria provided, single submitter. Criteria: Ambry Variant Classification Scheme 2023. Collection method: clinical testing. Allele origin: germline.

Genome-Nilou Lab
Classification: Uncertain significance for Neurofibromatosis, type 1. Last evaluated: 2022-03-15. Review status: criteria provided, single submitter. Criteria: ACMG Guidelines, 2015. Collection method: clinical testing. Allele origin: germline. Affected: no.

GeneDx
Classification: Uncertain significance. Last evaluated: 2019-05-03. Review status: criteria provided, single submitter. Criteria: GeneDx Variant Classification Process June 2021. Collection method: clinical testing. Allele origin: germline. Affected: yes.
Comment: Not observed in large population cohorts (Lek et al., 2016); Has not been previously published as pathogenic or benign to our knowledge

Ambry Genetics
Classification: Uncertain significance for Hereditary cancer-predisposing syndrome. Last evaluated: 2015-06-17. Review status: criteria provided, single submitter. Criteria: Ambry Autosomal Dominant and X-Linked criteria (10/2015). Collection method: clinical testing. Allele origin: germline. Observed: 1 variant allele.
Comment: Thep.R855Tvariant (also known as c.2564G>C), located in coding exon 21 of theNF1gene, results from a G to C substitution at nucleotide position 2564. The arginine at codon 855 is replaced by threonine, an amino acid with some similar properties. This variant was not reported in population based cohorts in the following databases: Database of Single Nucleotide Polymorphisms (dbSNP), NHLBI Exome Sequencing Project (ESP), and 1000 Genomes Project. In the ESP, this variant was not observed in 6502 samples (13004 alleles) with coverage at this position. To date, this alteration has been detected with an allele frequency of approximately 0.004% (greater than 55000 alleles tested) in our clinical cohort. This amino acid position is highly conserved in available vertebrate species. In addition, the in silico prediction for this alteration is inconclusive. Since supporting evidence is limited at this time, the clinical significance of p.R855T remains unclear.